The following is an entry in ClinVar:

ClinVar aggregate classification (germline): Pathogenic/Likely pathogenic. Review status: criteria provided, multiple submitters, no conflicts (2 of 4 stars). 6 submissions from 6 submitters: Pathogenic (4); Likely pathogenic (1). 1 of the submissions does not count toward it. Last evaluated 2026-01-11.

Conditions:
FANCA-related disorder. Also called: FANCA-related condition.
Fanconi anemia (FA). Also called: Fanconi's anemia. Identifiers: Orphanet 84, MedGen C0015625, MeSH D005199, MONDO:0019391.
Fanconi anemia complementation group A (FANCA). Also called: Fanconi anemia, group A; FANCA-Related Fanconi Anemia. Identifiers: Orphanet 84, MedGen C3469521, MONDO:0009215, OMIM 227650.

Allele frequency attached by ClinVar (database versions not stated): gnomAD exomes below 0.00001.
gnomAD v4.1: 3 of 1,613,920 alleles (0.00019%); highest among the groups gnomAD compares: Non-Finnish European, 0.00025%; no homozygotes.

Submissions (6):

Labcorp Genetics (formerly Invitae), Labcorp
Classification: Pathogenic for Fanconi anemia. Last evaluated: 2026-01-11. Review status: criteria provided, single submitter. Criteria: Invitae Variant Classification Sherloc (09022015). Collection method: clinical testing. Allele origin: germline.
Comment: This sequence change affects a donor splice site in intron 28 of the FANCA gene. It is expected to disrupt RNA splicing. Variants that disrupt the donor or acceptor splice site typically lead to a loss of protein function (PMID: 16199547), and loss-of-function variants in FANCA are known to be pathogenic (PMID: 19367192). This variant is present in population databases (no rsID available, gnomAD 0.0009%). Disruption of this splice site has been observed in individuals with Fanconi anemia (PMID: 23067021, 24584348, 29098742). ClinVar contains an entry for this variant (Variation ID: 555463). Algorithms developed to predict the effect of sequence changes on RNA splicing suggest that this variant may disrupt the consensus splice site. For these reasons, this variant has been classified as Pathogenic.

GeneDx
Classification: Pathogenic. Last evaluated: 2025-12-16. Review status: criteria provided, single submitter. Criteria: GeneDx Variant Classification Process June 2021. Collection method: clinical testing. Allele origin: germline.
Comment: Identified with a second FANCA variant in an individual with a clinical diagnosis of Fanconi anemia, however detailed clinical and familial segregation data was not provided (PMID: 31558676); Canonical splice site variant predicted to result in an in-frame loss of the adjacent exon in a gene for which loss of function is a known mechanism of disease; Not observed at significant frequency in large population cohorts (gnomAD); This variant is associated with the following publications: (PMID: 36451132, 29625052, 31558676, 24584348)

PreventionGenetics, part of Exact Sciences
Classification: Likely pathogenic for FANCA-related condition. Last evaluated: 2025-09-17. Review status: criteria provided, single submitter. Criteria: ACMG Guidelines, 2015. Collection method: clinical testing. Allele origin: germline.
Comment: The FANCA c.2778+2T>C variant is predicted to disrupt the GT donor site and interfere with normal splicing. This variant was reported along with a second FANCA variant in an individual with Fanconi anemia (Steinberg-Shemer et al. 2019. PubMed ID: 31558676). Alternate nucleotide changes with this splice site have also been reported in individuals with Fanconi anemia (c.2778+1G>A, De Rocco et al. 2014. PubMed ID: 24584348; c.2778+1G>C, Park et al. 2013. PubMed ID: 23067021, c.2778+G>T, Pilonetto et al. 2017. PubMed ID: 28717661). This variant is reported in 0.00088% of alleles in individuals of European (Non-Finnish) descent in gnomAD. Variants that disrupt the consensus splice donor site in FANCA are expected to be pathogenic. This variant is interpreted as likely pathogenic.

Natera, Inc.
Classification: Pathogenic for Fanconi anemia. Last evaluated: 2025-08-21. Review status: criteria provided, single submitter. Criteria: Natera Variant Classification Schema (03/2026). Collection method: clinical testing. Allele origin: germline.
Comment: The c.2778+2T>C variant in FANCA is a canonical splice donor site variant predicted to affect pre-mRNA splicing, which may result in an abnormal transcript and altered protein product. This variant is expected to result in nonsense mediated decay, truncation, or a dysfunctional protein product. This variant is rare in the general population with a frequency below the threshold expected for the associated phenotype(s). This variant has been observed in one or more individuals affected with the associated recessive disease, as either homozygous or compound heterozygous with a second variant (PMID: 31558676). Another variant at this same site results in an alteration predicted to cause a similar molecular effect has been observed in individual(s) with the associated phenotype. Given the available evidence, this variant is classified as Pathogenic.

Baylor Genetics
Classification: Pathogenic for Fanconi anemia complementation group A. Last evaluated: 2023-10-16. Review status: criteria provided, single submitter. Criteria: ACMG Guidelines, 2015. Collection method: clinical testing. Allele origin: unknown.

Counsyl
Classification: Likely pathogenic for Fanconi anemia complementation group A. Last evaluated: 2017-12-08. Review status: no assertion criteria provided. Collection method: clinical testing. Allele origin: unknown. Not counted in ClinVar's aggregate classification.

Literature cited by the submitters: PubMed 16199547 (cited by Labcorp Genetics (formerly Invitae), Labcorp); PubMed 19367192 (cited by Labcorp Genetics (formerly Invitae), Labcorp); PubMed 23067021 (cited by Labcorp Genetics (formerly Invitae), Labcorp); PubMed 24584348 (cited by Labcorp Genetics (formerly Invitae), Labcorp); PubMed 29098742 (cited by Labcorp Genetics (formerly Invitae), Labcorp); PubMed 31558676 (cited by Natera, Inc.).

NM_000135.4(FANCA):c.2778+2T>C

Gene: FANCA (FA complementation group A; minus strand). Cytogenetic location: 16q24.3.
Variant type: single nucleotide variant.
Coding change: c.2778+2T>C on transcript NM_000135.4 (MANE Select); the canonical splice donor site of the intron after coding-DNA position 2778, T replaced by C.
Molecular consequence: splice donor variant.
Genome position (GRCh38, 1-based): chr16:89,764,888, A>G on the plus strand (T>C on the coding strand, the complement: FANCA is on the minus strand). VCF-style: chr16-89764888-A-G. GRCh37 (hg19) VCF-style: chr16-89831296-A-G.
Other names: c.2778+2T>C (NM_001286167.3, NM_000135.3).
Identifiers: ClinVar variation 555463 (VCV000555463.15), dbSNP rs1458001028, ClinGen allele CA397437779.